The following is an entry in ClinVar:

NM_005751.5(AKAP9):c.7721A>G (p.Asn2574Ser)

Gene: AKAP9 (A-kinase anchoring protein 9; plus strand). Cytogenetic location: 7q21.2.
Variant type: single nucleotide variant.
Coding change: c.7721A>G on transcript NM_005751.5 (MANE Select); coding-DNA position 7721, A replaced by G.
Protein change: p.Asn2574Ser; replaces asparagine 2574 with serine.
Molecular consequence: missense variant.
Genome position (GRCh38, 1-based): chr7:92,079,854, A>G. VCF-style: chr7-92079854-A-G. GRCh37 (hg19) VCF-style: chr7-91709168-A-G.
Other names: c.2366A>G, p.Asn789Ser (NM_001379277.1); c.7697A>G, p.Asn2566Ser (NM_147185.3); short protein forms N2566S, N2574S, N789S.
Identifiers: ClinVar variation 655966 (VCV000655966.7), dbSNP rs748899639, ClinGen allele CA4337335.
Genomic context (GRCh38, chr7:92,079,854, plus strand): 5'-CTCTTGTCAGTCAAATCCAACTTGAGGCAGTTCAGGAATATGCAAAATTCTGTCAAGATA[A>G]TCAAACAATTTCATCAGAACCTGAAAGAACAAATATTCAGAATTTAAATCAACTAAGAGA-3'
Protein context (NP_005742.4, residues 2564-2584): VQEYAKFCQD[Asn2574Ser]QTISSEPERT

ClinVar aggregate classification (germline): Uncertain significance. Review status: criteria provided, multiple submitters, no conflicts (2 of 4 stars). 2 submissions from 2 submitters: Uncertain significance (2). Last evaluated 2025-12-01.

Conditions:
Cardiovascular phenotype. Identifiers: MedGen CN230736.
Long QT syndrome (LQTS). Identifiers: MedGen C0023976, MeSH D008133, MONDO:0002442. Disease mechanism: loss of function. Inheritance: Various modes of inheritance.

Allele frequency attached by ClinVar (database versions not stated): ExAC 0.00001; gnomAD 0.00001; gnomAD exomes 0.00001; TOPMed 0.00001.
gnomAD v4.1: 5 of 1,614,036 alleles (0.00031%); highest among the groups gnomAD compares: Admixed American, 0.005%; no homozygotes.

Submissions (2):

Labcorp Genetics (formerly Invitae), Labcorp
Classification: Uncertain significance for Long QT syndrome. Last evaluated: 2025-12-01. Review status: criteria provided, single submitter. Criteria: Invitae Variant Classification Sherloc (09022015). Collection method: clinical testing. Allele origin: germline.
Comment: This sequence change replaces asparagine, which is neutral and polar, with serine, which is neutral and polar, at codon 2574 of the AKAP9 protein (p.Asn2574Ser). This variant is present in population databases (rs748899639, gnomAD 0.006%). This variant has not been reported in the literature in individuals affected with AKAP9-related conditions. ClinVar contains an entry for this variant (Variation ID: 655966). An algorithm developed to predict the effect of missense changes on protein structure and function (PolyPhen-2) suggests that this variant is likely to be tolerated. In summary, the available evidence is currently insufficient to determine the role of this variant in disease. Therefore, it has been classified as a Variant of Uncertain Significance.

Ambry Genetics
Classification: Uncertain significance for Cardiovascular phenotype. Last evaluated: 2025-03-23. Review status: criteria provided, single submitter. Criteria: Ambry Variant Classification Scheme 2023. Collection method: clinical testing. Allele origin: germline.
Comment: The p.N2574S variant (also known as c.7721A>G), located in coding exon 31 of the AKAP9 gene, results from an A to G substitution at nucleotide position 7721. The asparagine at codon 2574 is replaced by serine, an amino acid with highly similar properties. This amino acid position is conserved. In addition, this alteration is predicted to be tolerated by in silico analysis. Based on the available evidence, the clinical significance of this variant remains unclear.